The following is an entry in ClinVar:

ClinVar aggregate classification (germline): Likely benign. Review status: criteria provided, multiple submitters, no conflicts (2 of 4 stars). 2 submissions from 2 submitters: Likely benign (2). Last evaluated 2025-08-25.

Conditions:
Wilson disease (WND). Also called: Wilson's disease. Identifiers: Orphanet 905, MedGen C0019202, MONDO:0010200, OMIM 277900. Disease mechanism: loss of function.

Allele frequency attached by ClinVar (database versions not stated): gnomAD exomes below 0.00001 and 0.00001; TOPMed below 0.00001; ExAC 0.00001.
gnomAD v4.1: 2 of 1,614,130 alleles (0.00012%); highest among the groups gnomAD compares: Admixed American, 0.0017%; no homozygotes.

Submissions (2):

Labcorp Genetics (formerly Invitae), Labcorp
Classification: Likely benign for Wilson disease. Last evaluated: 2025-08-25. Review status: criteria provided, single submitter. Criteria: Invitae Variant Classification Sherloc (09022015). Collection method: clinical testing. Allele origin: germline.

All of Us Research Program, National Institutes of Health
Classification: Likely benign for Wilson disease. Last evaluated: 2023-06-28. Review status: criteria provided, single submitter. Criteria: ACMG Guidelines, 2015. Collection method: clinical testing. Allele origin: germline. Inheritance: Autosomal recessive inheritance. Observed: 1 variant allele, 1 heterozygote.
Comment: This study involves interpretation of variants in research participants for the purpose of population health screening. Participant phenotype was not available at the time of variant classification. Additional details can be found in publication PMID: 35346344, PMCID: PMC8962531

NM_000053.4(ATP7B):c.3150A>G (p.Thr1050=)

Gene: ATP7B (ATPase copper transporting beta; minus strand). Cytogenetic location: 13q14.3.
Variant type: single nucleotide variant.
Coding change: c.3150A>G on transcript NM_000053.4 (MANE Select); coding-DNA position 3150, A replaced by G.
Protein change: p.Thr1050=; no amino-acid change (threonine 1050 retained).
Molecular consequence: synonymous variant.
Genome position (GRCh38, 1-based): chr13:51,944,202, T>C on the plus strand (A>G on the coding strand, the complement: ATP7B is on the minus strand). VCF-style: chr13-51944202-T-C. GRCh37 (hg19) VCF-style: chr13-52518338-T-C.
Other names: c.2529A>G, p.Thr843= (NM_001005918.3); c.2817A>G, p.Thr939= (NM_001243182.2); c.2916A>G, p.Thr972= (NM_001330578.2); c.2898A>G, p.Thr966= (NM_001330579.2).
Identifiers: ClinVar variation 1623745 (VCV001623745.10), dbSNP rs771897428, ClinGen allele CA6988795.
Genomic context (GRCh38, chr13:51,944,202, plus strand): 5'-GGGGTGTTCACTGCTGGCCTCCGCAGTCCCCACCACAGCCAGAACCTTCCTGAGGGGCAG[T>C]GTGGCCACATCCCCCAGCAGGAGCACCCGCATGACCCTGGGGACGCCATGGGTAATGGTG-3'
Protein context (NP_000044.2, residues 1040-1060): MRVLLLGDVA[Thr1050=]LPLRKVLAVV